The following is an entry in ClinVar:

NM_014714.4(IFT140):c.634+5G>A

Genes: IFT140 (intraflagellar transport 140; minus strand), LOC105371046 (uncharacterized LOC105371046; plus strand). Cytogenetic location: 16p13.3.
Variant type: single nucleotide variant.
Coding change: c.634+5G>A on transcript NM_014714.4 (MANE Select); 5 bases into the intron after coding-DNA position 634, G replaced by A.
Molecular consequence: intron variant.
Genome position (GRCh38, 1-based): chr16:1,592,171, C>T on the plus strand (G>A on the coding strand, the complement: IFT140 is on the minus strand). VCF-style: chr16-1592171-C-T. GRCh37 (hg19) VCF-style: chr16-1642172-C-T.
Identifiers: ClinVar variation 866080 (VCV000866080.14), dbSNP rs1323647622, ClinGen allele CA620701266.

ClinVar aggregate classification (germline): Conflicting classifications of pathogenicity. Review status: criteria provided, conflicting classifications (1 of 4 stars). 5 submissions from 5 submitters: Pathogenic (2); Likely pathogenic (1); Uncertain significance (2). Last evaluated 2025-11-19.

Conditions:
Retinitis pigmentosa 80 (RP80). Identifiers: MedGen C4540439, MONDO:0054708, OMIM 617781.
Retinal dystrophy. Also called: Inherited retinal dystrophy. Identifiers: Orphanet 71862, MedGen C0854723, MeSH D058499, MONDO:0019118, HP:0000556.
IFT140-related disorders.
Saldino-Mainzer syndrome (SRTD9). Also called: Renal dysplasia, retinal pigmentary dystrophy, cerebellar ataxia and skeletal dysplasia; SHORT-RIB THORACIC DYSPLASIA 9 WITHOUT POLYDACTYLY; short-rib thoracic dysplasia 9 with or without polydactyly; CONORENAL SYNDROME. Identifiers: Orphanet 140969, MedGen C1849437, MONDO:0009964, OMIM 266920.

Allele frequency attached by ClinVar (database versions not stated): gnomAD 0.00001; gnomAD exomes 0.00001 and 0.00002; TOPMed 0.00002.
gnomAD v4.1: 25 of 1,614,000 alleles (0.0015%); highest among the groups gnomAD compares: Non-Finnish European, 0.002%; no homozygotes.

Submissions (5):

Labcorp Genetics (formerly Invitae), Labcorp
Classification: Pathogenic for Saldino-Mainzer syndrome. Last evaluated: 2025-11-19. Review status: criteria provided, single submitter. Criteria: Invitae Variant Classification Sherloc (09022015). Collection method: clinical testing. Allele origin: germline.
Comment: This sequence change falls in intron 6 of the IFT140 gene. It does not directly change the encoded amino acid sequence of the IFT140 protein. It affects a nucleotide within the consensus splice site. This variant is present in population databases (no rsID available, gnomAD 0.003%). This variant has been observed in individual(s) with clinical features of inherited retinal degeneration and/or clinical features of retinitis pigmentosa (PMID: 32037395; internal data). In at least one individual the data is consistent with being in trans (on the opposite chromosome) from a pathogenic variant. ClinVar contains an entry for this variant (Variation ID: 866080). Variants that disrupt the consensus splice site are a relatively common cause of aberrant splicing (PMID: 17576681, 9536098). Algorithms developed to predict the effect of sequence changes on RNA splicing suggest that this variant may disrupt the consensus splice site. For these reasons, this variant has been classified as Pathogenic.

Blueprint Genetics
Classification: Pathogenic for IFT140-related disorders. Last evaluated: 2024-07-23. Review status: criteria provided, single submitter. Criteria: ACMG Guidelines, 2015. Collection method: clinical testing. Allele origin: germline. Affected: yes. Observed: 5 variant alleles.

DBGen Ocular Genomics
Classification: Uncertain significance for Retinitis pigmentosa 80. Last evaluated: 2021-06-16. Review status: criteria provided, single submitter. Criteria: ACMG Guidelines, 2015. Collection method: clinical testing. Allele origin: germline. Affected: yes. Observed: 1 variant allele.

Ocular Genomics Institute, Massachusetts Eye and Ear
Classification: Uncertain significance for Retinitis pigmentosa 80. Last evaluated: 2021-04-08. Review status: criteria provided, single submitter. Criteria: ACMG Guidelines, 2015. Collection method: research. Allele origin: germline. Affected: yes.
Comment: Through a review of available evidence we were able to apply the following criteria: PM2, PP3, PM3. Based on this evidence we have classified this variant as Variant of Uncertain Significance.

Institute of Human Genetics, Univ. Regensburg, Univ. Regensburg
Classification: Likely pathogenic for Retinal dystrophy. Last evaluated: 2020-01-01. Review status: criteria provided, single submitter. Criteria: ACMG Guidelines, 2015. Collection method: clinical testing. Allele origin: germline. Affected: yes.

Literature cited by the submitters: PubMed 32037395 (cited by Labcorp Genetics (formerly Invitae), Labcorp and Institute of Human Genetics, Univ. Regensburg, Univ. Regensburg); PubMed 17576681 (cited by Labcorp Genetics (formerly Invitae), Labcorp); PubMed 9536098 (cited by Labcorp Genetics (formerly Invitae), Labcorp).